The following is an entry in ClinVar:

ClinVar aggregate classification (germline): Uncertain significance. Review status: criteria provided, multiple submitters, no conflicts (2 of 4 stars). 2 submissions from 2 submitters: Uncertain significance (2). Last evaluated 2025-05-03.

Conditions:
Hereditary spastic paraplegia 43. Also called: Spastic paraplegia 43, autosomal recessive. Identifiers: Orphanet 320370, MedGen C2680446, MONDO:0014024, OMIM 615043.

gnomAD v4.1: 7 of 1,614,186 alleles (0.00043%); highest among the groups gnomAD compares: Non-Finnish European, 0.00059%; no homozygotes.

Submissions (2):

Labcorp Genetics (formerly Invitae), Labcorp
Classification: Uncertain significance for Hereditary spastic paraplegia 43. Last evaluated: 2025-05-03. Review status: criteria provided, single submitter. Criteria: Invitae Variant Classification Sherloc (09022015). Collection method: clinical testing. Allele origin: germline.
Comment: This sequence change replaces glutamic acid, which is acidic and polar, with lysine, which is basic and polar, at codon 95 of the C19orf12 protein (p.Glu95Lys). This variant is present in population databases (rs774611500, gnomAD 0.0009%). This variant has not been reported in the literature in individuals affected with C19orf12-related conditions. An algorithm developed to predict the effect of missense changes on protein structure and function (PolyPhen-2) suggests that this variant is likely to be tolerated. In summary, the available evidence is currently insufficient to determine the role of this variant in disease. Therefore, it has been classified as a Variant of Uncertain Significance.

Revvity Omics, Revvity
Classification: Uncertain significance. Last evaluated: 2024-11-13. Review status: criteria provided, single submitter. Criteria: ACMG Guidelines, 2015. Collection method: clinical testing. Allele origin: germline.

NM_031448.6(C19orf12):c.250G>A (p.Glu84Lys)

Gene: C19orf12 (chromosome 19 open reading frame 12; minus strand). Cytogenetic location: 19q12.
Variant type: single nucleotide variant.
Coding change: c.250G>A on transcript NM_031448.6 (MANE Select); coding-DNA position 250, G replaced by A.
Protein change: p.Glu84Lys; replaces glutamic acid 84 with lysine.
Molecular consequence: missense variant.
Genome position (GRCh38, 1-based): chr19:29,702,888, C>T on the plus strand (G>A on the coding strand, the complement: C19orf12 is on the minus strand). VCF-style: chr19-29702888-C-T. GRCh37 (hg19) VCF-style: chr19-30193795-C-T.
Other names: c.250G>A, p.Glu84Lys (NM_001031726.4, NM_001256046.3, NM_001256047.2); c.58G>A, p.Glu20Lys (NM_001282929.1, NM_001282930.3, NM_001282931.3); short protein forms E20K, E84K.
Identifiers: ClinVar variation 4078135 (VCV004078135.2).